The following is an entry in ClinVar:

ClinVar aggregate classification (germline): Uncertain significance (1 of 4 stars; one submission).

Submission:

GeneDx
Classification: Uncertain significance. Last evaluated: 2025-09-06. Review status: criteria provided, single submitter. Criteria: GeneDx Variant Classification Process June 2021. Collection method: clinical testing. Allele origin: germline. Affected: yes.
Comment: Not observed at significant frequency in large population cohorts (gnomAD); In silico analysis suggests that this missense variant does not alter protein structure/function; Has not been previously published as pathogenic or benign to our knowledge

NM_032271.3(TRAF7):c.1738C>T (p.Leu580Phe)

Gene: TRAF7 (TNF receptor associated factor 7; plus strand). Cytogenetic location: 16p13.3.
Variant type: single nucleotide variant.
Coding change: c.1738C>T on transcript NM_032271.3 (MANE Select); coding-DNA position 1738, C replaced by T.
Protein change: p.Leu580Phe; replaces leucine 580 with phenylalanine.
Molecular consequence: missense variant.
Genome position (GRCh38, 1-based): chr16:2,175,945, C>T. VCF-style: chr16-2175945-C-T. GRCh37 (hg19) VCF-style: chr16-2225946-C-T.
Other names: short protein forms L580F.
Identifiers: ClinVar variation 1314748 (VCV001314748.3), dbSNP rs2141297841, ClinGen allele CA394334804.